The following is an entry in ClinVar:

NM_017780.4(CHD7):c.5548A>G (p.Arg1850Gly)

Gene: CHD7 (chromodomain helicase DNA binding protein 7; plus strand). Cytogenetic location: 8q12.2.
Variant type: single nucleotide variant.
Coding change: c.5548A>G on transcript NM_017780.4 (MANE Select); coding-DNA position 5548, A replaced by G.
Protein change: p.Arg1850Gly; replaces arginine 1850 with glycine.
Molecular consequence: missense variant. On other transcripts: intron variant (1).
Genome position (GRCh38, 1-based): chr8:60,851,045, A>G. VCF-style: chr8-60851045-A-G. GRCh37 (hg19) VCF-style: chr8-61763604-A-G.
Other names: c.1717-11184A>G (NM_001316690.1); short protein forms R1850G.
Identifiers: ClinVar variation 3364626 (VCV003364626.2).

ClinVar aggregate classification (germline): Uncertain significance. Review status: criteria provided, multiple submitters, no conflicts (2 of 4 stars). 2 submissions from 2 submitters: Uncertain significance (2). Last evaluated 2025-07-09.

Conditions:
CHARGE syndrome (CHARGE). Also called: Hittner Hirsch Kreh syndrome; CHARGE ASSOCIATION--COLOBOMA, HEART ANOMALY, CHOANAL ATRESIA, RETARDATION, GENITAL AND EAR ANOMALIES; Coloboma, heart anomaly, choanal atresia, retardation, genital and ear anomalies; CHARGE association; Hall-Hittner syndrome. Identifiers: Orphanet 138, MedGen C0265354, MONDO:0008965.

Submissions (2):

Labcorp Genetics (formerly Invitae), Labcorp
Classification: Uncertain significance for CHARGE syndrome. Last evaluated: 2025-07-09. Review status: criteria provided, single submitter. Criteria: Invitae Variant Classification Sherloc (09022015). Collection method: clinical testing. Allele origin: germline.
Comment: This sequence change replaces arginine, which is basic and polar, with glycine, which is neutral and non-polar, at codon 1850 of the CHD7 protein (p.Arg1850Gly). This variant is not present in population databases (gnomAD no frequency). This variant has not been reported in the literature in individuals affected with CHD7-related conditions. ClinVar contains an entry for this variant (Variation ID: 3364626). Invitae Evidence Modeling of protein sequence and biophysical properties (such as structural, functional, and spatial information, amino acid conservation, physicochemical variation, residue mobility, and thermodynamic stability) indicates that this missense variant is not expected to disrupt CHD7 protein function with a negative predictive value of 80%. In summary, the available evidence is currently insufficient to determine the role of this variant in disease. Therefore, it has been classified as a Variant of Uncertain Significance.

GeneDx
Classification: Uncertain significance. Last evaluated: 2023-12-01. Review status: criteria provided, single submitter. Criteria: GeneDx Variant Classification Process June 2021. Collection method: clinical testing. Allele origin: germline. Affected: yes.
Comment: Not observed at significant frequency in large population cohorts (gnomAD); In silico analysis supports that this missense variant does not alter protein structure/function; Has not been previously published as pathogenic or benign to our knowledge